The following is an entry in ClinVar:

ClinVar aggregate classification (germline): Likely benign (1 of 4 stars; one submission).

Allele frequency attached by ClinVar (database versions not stated): gnomAD 0.00090; TOPMed 0.00099; 1000 Genomes Project 30x 0.00104; gnomAD exomes 0.00122.
gnomAD v4.1: 1,300 of 1,099,928 alleles (0.12%); highest among the groups gnomAD compares: Admixed American, 0.16%; 3 homozygotes.

Submission:

CeGaT Center for Human Genetics Tuebingen
Classification: Likely benign. Last evaluated: 2023-02-01. Review status: criteria provided, single submitter. Criteria: CeGaT Center For Human Genetics Tuebingen Variant Classification Criteria Version 2. Collection method: clinical testing. Allele origin: germline. Affected: yes. Observed: 2 variant alleles.
Comment: CHST7: BP4, BP7, BS2

NM_019886.4(CHST7):c.1248C>T (p.Ala416=)

Gene: CHST7 (carbohydrate sulfotransferase 7; plus strand). Cytogenetic location: Xp11.3.
Variant type: single nucleotide variant.
Coding change: c.1248C>T on transcript NM_019886.4 (MANE Select); coding-DNA position 1248, C replaced by T.
Protein change: p.Ala416=; no amino-acid change (alanine 416 retained).
Molecular consequence: synonymous variant.
Genome position (GRCh38, 1-based): chrX:46,575,179, C>T. VCF-style: chrX-46575179-C-T. GRCh37 (hg19) VCF-style: chrX-46434614-C-T.
Identifiers: ClinVar variation 2660385 (VCV002660385.24), dbSNP rs746477728, ClinGen allele CA10393657.